The following is an entry in ClinVar:

NM_001378615.1(CC2D2A):c.411_414del (p.Lys137fs)

Genes: CC2D2A (coiled-coil and C2 domain containing 2A; plus strand), FBXL5 (F-box and leucine rich repeat protein 5; minus strand). Cytogenetic location: 4p15.32.
Variant type: Microsatellite.
Coding change: c.411_414del on transcript NM_001378615.1 (MANE Select); coding-DNA positions 411 to 414, 4 bases deleted (AGAA; older notation c.411_414delAGAA).
Protein change: p.Lys137fs; shifts the reading frame from lysine 137.
Molecular consequence: frameshift variant.
Genome position (GRCh38, 1-based): chr4:15,502,896-15,502,899, AGAA deleted; deleting any 4 consecutive bases within chr4:15,502,891-15,502,899 gives the same sequence; the c. name uses the placement nearest the transcript's 3' end. VCF-style (leftmost placement, unchanged base first): chr4-15502890-TAAGA-T. GRCh37 (hg19) VCF-style: chr4-15504513-TAAGA-T.
Other names: c.411_414del, p.Lys137fs (NM_001080522.2); c.264_267del, p.Lys88fs (NM_001378617.1); short protein forms K88fs, K137fs.
Identifiers: ClinVar variation 2944043 (VCV002944043.3), dbSNP rs754687282, ClinGen allele CA2863401.

ClinVar aggregate classification (germline): Pathogenic (1 of 4 stars; one submission).

Conditions:
Joubert syndrome. Also called: JOUBERT-BOLTSHAUSER SYNDROME; Familial aplasia of the vermis. Identifiers: Orphanet 475, MedGen C5979921, MONDO:0018772.
Meckel-Gruber syndrome. Also called: DYSENCEPHALIA SPLANCHNOCYSTICA; GRUBER SYNDROME; Dysencephalia splachnocystica. Identifiers: Orphanet 564, MedGen C0265215, MONDO:0018921.

Submission:

Labcorp Genetics (formerly Invitae), Labcorp
Classification: Pathogenic for Joubert syndrome; Meckel-Gruber syndrome. Last evaluated: 2025-03-10. Review status: criteria provided, single submitter. Criteria: Invitae Variant Classification Sherloc (09022015). Collection method: clinical testing. Allele origin: germline.
Comment: This sequence change creates a premature translational stop signal (p.Lys137Asnfs*14) in the CC2D2A gene. It is expected to result in an absent or disrupted protein product. Loss-of-function variants in CC2D2A are known to be pathogenic (PMID: 19777577). This variant is present in population databases (rs754687282, gnomAD 0.006%). This variant has not been reported in the literature in individuals affected with CC2D2A-related conditions. ClinVar contains an entry for this variant (Variation ID: 2944043). For these reasons, this variant has been classified as Pathogenic.

Literature cited by the submitters: PubMed 19777577.